The following is an entry in ClinVar:

NM_018075.5(ANO10):c.12del (p.Leu5fs)

Gene: ANO10 (anoctamin 10; minus strand). Cytogenetic location: 3p21.33.
Variant type: Deletion.
Coding change: c.12del on transcript NM_018075.5 (MANE Select); coding-DNA position 12, one base deleted (C; older notation c.12delC).
Protein change: p.Leu5fs; shifts the reading frame from leucine 5.
Molecular consequence: frameshift variant.
Genome position (GRCh38, 1-based): chr3:43,605,841, G deleted on the plus strand (C on the coding strand, the reverse complement: ANO10 is on the minus strand); the first of 2 consecutive G bases (chr3:43,605,841-43,605,842); deleting either gives the same sequence. VCF-style (leftmost placement, unchanged base first): chr3-43605840-AG-A. GRCh37 (hg19) VCF-style: chr3-43647332-AG-A.
Other names: c.12del, p.Leu5fs (NM_001204831.3, NM_001204832.3, NM_001204833.3 and 8 more transcripts); short protein forms L5fs.
Identifiers: ClinVar variation 2858407 (VCV002858407.3), dbSNP rs2529879317, ClinGen allele CA2739278853.

ClinVar aggregate classification (germline): Pathogenic (1 of 4 stars; one submission).

Submission:

Labcorp Genetics (formerly Invitae), Labcorp
Classification: Pathogenic. Last evaluated: 2023-09-06. Review status: criteria provided, single submitter. Criteria: Invitae Variant Classification Sherloc (09022015). Collection method: clinical testing. Allele origin: germline.
Comment: This variant has not been reported in the literature in individuals affected with ANO10-related conditions. This variant is not present in population databases (gnomAD no frequency). This sequence change creates a premature translational stop signal (p.Leu5Tyrfs*17) in the ANO10 gene. It is expected to result in an absent or disrupted protein product. Loss-of-function variants in ANO10 are known to be pathogenic (PMID: 25089919). For these reasons, this variant has been classified as Pathogenic.

Literature cited by the submitters: PubMed 25089919.